The following is an entry in ClinVar:

NM_033026.6(PCLO):c.13061T>C (p.Val4354Ala)

Gene: PCLO (piccolo presynaptic cytomatrix protein; minus strand). Cytogenetic location: 7q21.11.
Variant type: single nucleotide variant.
Coding change: c.13061T>C on transcript NM_033026.6 (MANE Select); coding-DNA position 13061, T replaced by C.
Protein change: p.Val4354Ala; replaces valine 4354 with alanine.
Molecular consequence: missense variant.
Genome position (GRCh38, 1-based): chr7:82,914,925, A>G on the plus strand (T>C on the coding strand, the complement: PCLO is on the minus strand). VCF-style: chr7-82914925-A-G. GRCh37 (hg19) VCF-style: chr7-82544241-A-G.
Other names: c.13061T>C, p.Val4354Ala (NM_014510.3); short protein forms V4354A.
Identifiers: ClinVar variation 1484933 (VCV001484933.8), dbSNP rs1268923872, ClinGen allele CA367884078.
Genomic context (GRCh38, chr7:82,914,925, plus strand): 5'-GCCATTCCCATTGGCTGGCCAACAGGACTGAGTGGGCTTTCTTCTTCAGAATTCTGGGCC[A>G]CAATTGGTATTCTTCCTCTACTTTGACTAATTGGCAAACTGGTCGGCTTAGTTCTGGCAG-3'
Protein context (NP_149015.2, residues 4344-4364): ISQSRGRIPI[Val4354Ala]AQNSEEESPL

ClinVar aggregate classification (germline): Uncertain significance (1 of 4 stars; one submission).

Allele frequency attached by ClinVar (database versions not stated): gnomAD 0.00001; TOPMed 0.00002.
gnomAD v4.1: 1 of 1,613,562 alleles (0.000062%); highest among the groups gnomAD compares: African/African-American, 0.0013%; no homozygotes.

Submission:

Labcorp Genetics (formerly Invitae), Labcorp
Classification: Uncertain significance. Last evaluated: 2023-10-13. Review status: criteria provided, single submitter. Criteria: Invitae Variant Classification Sherloc (09022015). Collection method: clinical testing. Allele origin: germline.
Comment: This sequence change replaces valine, which is neutral and non-polar, with alanine, which is neutral and non-polar, at codon 4354 of the PCLO protein (p.Val4354Ala). This variant is not present in population databases (gnomAD no frequency). This variant has not been reported in the literature in individuals affected with PCLO-related conditions. ClinVar contains an entry for this variant (Variation ID: 1484933). Experimental studies and prediction algorithms are not available or were not evaluated, and the functional significance of this variant is currently unknown. In summary, the available evidence is currently insufficient to determine the role of this variant in disease. Therefore, it has been classified as a Variant of Uncertain Significance.